The following is an entry in ClinVar:

NM_016169.4(SUFU):c.37_53dup (p.Gly19fs)

Genes: SUFU (SUFU negative regulator of hedgehog signaling; plus strand), LOC130004614 (ATAC-STARR-seq lymphoblastoid silent region 2764; plus strand). Cytogenetic location: 10q24.32.
Variant type: Duplication.
Coding change: c.37_53dup on transcript NM_016169.4 (MANE Select); coding-DNA positions 37 to 53, 17 bases duplicated (ACCGCGCCCCCGGCCCC).
Protein change: p.Gly19fs; shifts the reading frame from glycine 19.
Molecular consequence: frameshift variant.
Genome position (GRCh38, 1-based): chr10:102,504,189-102,504,205, ACCGCGCCCCCGGCCCC duplicated; duplicating any 17 consecutive bases within chr10:102,504,175-102,504,205 gives the same sequence; the c. name uses the placement nearest the transcript's 3' end. VCF-style (leftmost placement, unchanged base first): chr10-102504174-G-GGCGCCCCCGGCCCCACC. GRCh37 (hg19) VCF-style: chr10-104263931-G-GGCGCCCCCGGCCCCACC.
Other names: c.37_53dupACCGCGCCCCCGGCCCC (NM_016169.3); c.37_53dup, p.Gly19fs (NM_001178133.2); short protein forms G19fs.
Identifiers: ClinVar variation 1455211 (VCV001455211.12), dbSNP rs2135597189, ClinGen allele CA913187385.

ClinVar aggregate classification (germline): Pathogenic. Review status: criteria provided, multiple submitters, no conflicts (2 of 4 stars). 4 submissions from 4 submitters: Pathogenic (4). Last evaluated 2025-03-27.

Conditions:
Hereditary cancer-predisposing syndrome. Also called: Tumor predisposition; Hereditary neoplastic syndrome; Neoplastic Syndromes, Hereditary; Hereditary Cancer Syndrome. Identifiers: Orphanet 140162, MedGen C0027672, MeSH D009386, MONDO:0015356.
Gorlin syndrome. Also called: Basal cell nevus syndrome; Nevoid Basal Cell Carcinoma Syndrome. Identifiers: Orphanet 377, MedGen C0004779, MONDO:0007187.
Medulloblastoma (MDB). Also called: MEDULLOBLASTOMA PREDISPOSITION SYNDROME; Medulloblastoma, somatic. Identifiers: Orphanet 616, MedGen C0025149, MeSH D008527, MONDO:0007959, OMIM 155255, HP:0002885.
SUFU-related disorder. Also called: SUFU-related condition; SUFU-related disorders.

Submissions (4):

Labcorp Genetics (formerly Invitae), Labcorp
Classification: Pathogenic for Gorlin syndrome; Medulloblastoma. Last evaluated: 2025-03-27. Review status: criteria provided, single submitter. Criteria: Invitae Variant Classification Sherloc (09022015). Collection method: clinical testing. Allele origin: germline.
Comment: This sequence change creates a premature translational stop signal (p.Gly19Profs*83) in the SUFU gene. It is expected to result in an absent or disrupted protein product. Loss-of-function variants in SUFU are known to be pathogenic (PMID: 22508808, 25403219, 33024317). This variant is not present in population databases (gnomAD no frequency). This premature translational stop signal has been observed in individual(s) with medulloblastoma (PMID: 29753700). ClinVar contains an entry for this variant (Variation ID: 1455211). For these reasons, this variant has been classified as Pathogenic.

Ambry Genetics
Classification: Pathogenic for Hereditary cancer-predisposing syndrome. Last evaluated: 2024-04-05. Review status: criteria provided, single submitter. Criteria: Ambry Variant Classification Scheme 2023. Collection method: clinical testing. Allele origin: germline.
Comment: The c.37_53dup17 pathogenic mutation, located in coding exon 1 of the SUFU gene, results from a duplication of 17 nucleotides at nucleotide positions 37 to 53, causing a translational frameshift with a predicted alternate stop codon (p.G19Pfs*83). This variant has been observed in individuals with a personal and/or family history that is consistent with SUFU-related disorders (Waszak SM. Lancet Oncol. 2018 Jun;19(6):785-798; Ambry internal data). This variant is considered to be rare based on population cohorts in the Genome Aggregation Database (gnomAD). In addition to the clinical data presented in the literature, this alteration is expected to result in loss of function by premature protein truncation or nonsense-mediated mRNA decay. As such, this alteration is interpreted as a disease-causing mutation.

Blueprint Genetics
Classification: Pathogenic for SUFU-related disorders. Last evaluated: 2024-02-13. Review status: criteria provided, single submitter. Criteria: ACMG Guidelines, 2015. Collection method: clinical testing. Allele origin: de novo. Affected: yes. Observed: 1 variant allele.

Genetics and Molecular Pathology, SA Pathology
Classification: Pathogenic for Medulloblastoma. Last evaluated: 2023-01-09. Review status: criteria provided, single submitter. Criteria: ACMG Guidelines, 2015. Collection method: clinical testing. Allele origin: germline. Affected: yes.

Literature cited by the submitters: PubMed 22508808 (cited by Labcorp Genetics (formerly Invitae), Labcorp); PubMed 25403219 (cited by Labcorp Genetics (formerly Invitae), Labcorp); PubMed 33024317 (cited by Labcorp Genetics (formerly Invitae), Labcorp); PubMed 29753700 (cited by Labcorp Genetics (formerly Invitae), Labcorp and Ambry Genetics).